The following is an entry in ClinVar:

ClinVar aggregate classification (germline): Likely benign (1 of 4 stars; one submission).

Allele frequency attached by ClinVar (database versions not stated): gnomAD exomes below 0.00001.
gnomAD v4.1: 1 of 1,612,998 alleles (0.000062%); highest among the groups gnomAD compares: East Asian, 0.0022%; no homozygotes.

Submission:

GeneDx
Classification: Likely benign. Last evaluated: 2016-04-06. Review status: criteria provided, single submitter. Criteria: GeneDx Variant Classification (06012015). Collection method: clinical testing. Allele origin: germline. Affected: yes.
Comment: This variant is considered likely benign or benign based on one or more of the following criteria: it is a conservative change, it occurs at a poorly conserved position in the protein, it is predicted to be benign by multiple in silico algorithms, and/or has population frequency not consistent with disease.

NM_000038.6(APC):c.135+17T>G

Gene: APC (APC regulator of WNT signaling pathway; plus strand). Cytogenetic location: 5q22.2.
Variant type: single nucleotide variant.
Coding change: c.135+17T>G on transcript NM_000038.6 (MANE Select); 17 bases into the intron after coding-DNA position 135, T replaced by G.
Molecular consequence: intron variant.
Genome position (GRCh38, 1-based): chr5:112,755,042, T>G. VCF-style: chr5-112755042-T-G. GRCh37 (hg19) VCF-style: chr5-112090739-T-G.
Other names: c.135+17T>G (NM_001354895.2, NM_001127510.3, NM_001354896.2 and 2 more transcripts); c.166-11284T>G (NM_001354897.2, NM_001354902.2, NM_001127511.3); c.61-11284T>G (NM_001354898.2, NM_001354904.2); c.-901+17T>G (NM_001354906.2); c.-42-11284T>G (NM_001354900.2, NM_001354901.2, NM_001354905.2).
Identifiers: ClinVar variation 385351 (VCV000385351.1), dbSNP rs1057522199, ClinGen allele CA16605134.
Genomic context (GRCh38, chr5:112,755,042, plus strand): 5'-CCAATCATCTTACAAAACTGGAAACTGAGGCATCTAATATGAAGGTATCAAGACTGTGAC[T>G]TTTAATTGTAGTTTATCCATTTTTATTCAGTATTCCCTCTTGTAAACTTGAGGTAAGACA-3'